The following is an entry in ClinVar:

ClinVar aggregate classification (germline): Uncertain significance (1 of 4 stars; one submission).

Conditions:
Duchenne muscular dystrophy (DMD). Also called: MUSCULAR DYSTROPHY, PSEUDOHYPERTROPHIC PROGRESSIVE, DUCHENNE TYPE; Duchenne Muscular Dystrophy (DMD). Identifiers: Orphanet 98896, MedGen C0013264, MONDO:0010679, OMIM 310200.

gnomAD v4.1: 4 of 1,209,287 alleles (0.00033%); highest among the groups gnomAD compares: Admixed American, 0.0022%; no homozygotes.

Submission:

Labcorp Genetics (formerly Invitae), Labcorp
Classification: Uncertain significance for Duchenne muscular dystrophy. Last evaluated: 2024-04-01. Review status: criteria provided, single submitter. Criteria: Invitae Variant Classification Sherloc (09022015). Collection method: clinical testing. Allele origin: germline.
Comment: This sequence change replaces asparagine, which is neutral and polar, with serine, which is neutral and polar, at codon 2019 of the DMD protein (p.Asn2019Ser). This variant is present in population databases (rs761156889, gnomAD 0.004%). This variant has not been reported in the literature in individuals affected with DMD-related conditions. Advanced modeling of protein sequence and biophysical properties (such as structural, functional, and spatial information, amino acid conservation, physicochemical variation, residue mobility, and thermodynamic stability) performed at Invitae indicates that this missense variant is not expected to disrupt DMD protein function with a negative predictive value of 95%. In summary, the available evidence is currently insufficient to determine the role of this variant in disease. Therefore, it has been classified as a Variant of Uncertain Significance.

NM_004006.3(DMD):c.6056A>G (p.Asn2019Ser)

Gene: DMD (dystrophin; minus strand). Cytogenetic location: Xp21.1.
Variant type: single nucleotide variant.
Coding change: c.6056A>G on transcript NM_004006.3 (MANE Select); coding-DNA position 6056, A replaced by G.
Protein change: p.Asn2019Ser; replaces asparagine 2019 with serine.
Molecular consequence: missense variant.
Genome position (GRCh38, 1-based): chrX:32,310,143, T>C on the plus strand (A>G on the coding strand, the complement: DMD is on the minus strand). VCF-style: chrX-32310143-T-C. GRCh37 (hg19) VCF-style: chrX-32328260-T-C.
Other names: c.6032A>G, p.Asn2011Ser (NM_000109.4); c.6044A>G, p.Asn2015Ser (NM_004009.3); c.5687A>G, p.Asn1896Ser (NM_004010.3); c.2033A>G, p.Asn678Ser (NM_004011.4); c.2024A>G, p.Asn675Ser (NM_004012.4); short protein forms N1896S, N675S, N2015S, N678S, N2011S, N2019S.
Identifiers: ClinVar variation 3665575 (VCV003665575.2).
Genomic context (GRCh38, chrX:32,310,143, plus strand): 5'-TTCAGAGACTCCTCTTGCTTAAAGAGATCTTCAAAGTCCTTAGCACAGAGGTCAGGAGCA[T>C]TGAGAAGTTGTTCCACTTCTAATAGGGCTTGTGAGACATGAGTGATTTCAGTCAAATAAG-3'
Protein context (NP_003997.2, residues 2009-2029): QALLEVEQLL[Asn2019Ser]APDLCAKDFE